The following is an entry in ClinVar:

NM_002087.4(GRN):c.1252C>T (p.Arg418Ter)

Gene: GRN (granulin precursor; plus strand). Cytogenetic location: 17q21.31.
Variant type: single nucleotide variant.
Coding change: c.1252C>T on transcript NM_002087.4 (MANE Select); coding-DNA position 1252, C replaced by T.
Protein change: p.Arg418Ter; replaces arginine 418 with a stop codon.
Molecular consequence: nonsense.
Genome position (GRCh38, 1-based): chr17:44,352,087, C>T. VCF-style: chr17-44352087-C-T. GRCh37 (hg19) VCF-style: chr17-42429455-C-T.
Other names: c.1252C>T (NM_002087.3); short protein forms R418*.
Identifiers: ClinVar variation 98177 (VCV000098177.58), dbSNP rs63751180, ClinGen allele CA225327.

ClinVar aggregate classification (germline): Pathogenic. Review status: criteria provided, multiple submitters, no conflicts (2 of 4 stars). 12 submissions from 12 submitters: Pathogenic (9). 3 of the submissions do not count toward it. Last evaluated 2026-06-28.

Conditions:
GRN-related disorder. Also called: GRN-related condition; GRN-related disorders.
GRN-related frontotemporal lobar degeneration with Tdp43 inclusions (FTD2). Also called: GRN Frontotemporal Dementia; FRONTOTEMPORAL LOBAR DEGENERATION WITH UBIQUITIN-POSITIVE INCLUSIONS; FTLD-TDP, GRN-RELATED; FRONTOTEMPORAL DEMENTIA WITH TDP43 INCLUSIONS, GRN-RELATED; DEMENTIA, HEREDITARY DYSPHASIC DISINHIBITION. Identifiers: Orphanet 100070, Orphanet 282, MedGen C1843792, MONDO:0011842, OMIM 607485. Disease mechanism: loss of function.
Neuronal ceroid lipofuscinosis 11. Also called: GRN-Related Neuronal Ceroid-Lipofuscinosis. Identifiers: Orphanet 314629, Orphanet 79262, MedGen C3539123, MONDO:0013866, OMIM 614706.
Amyotrophic lateral sclerosis type 10 (ALS10). Also called: TARDBP-Related Amyotrophic Lateral Sclerosis-Frontotemporal Dementia; AMYOTROPHIC LATERAL SCLEROSIS 10 WITH OR WITHOUT FRONTOTEMPORAL DEMENTIA; AMYOTROPHIC LATERAL SCLEROSIS 10 WITHOUT FRONTOTEMPORAL DEMENTIA AND WITH TDP43 INCLUSIONS; AMYOTROPHIC LATERAL SCLEROSIS 10 WITH OR WITHOUT FRONTOTEMPORAL DEMENTIA AND WITH TDP43 INCLUSIONS; Amyotrophic lateral sclerosis 10, with or without FTD. Identifiers: Orphanet 275872, Orphanet 803, MedGen C2677565, MONDO:0012790, OMIM 612069.

gnomAD v4.1: 7 of 1,613,786 alleles (0.00043%); highest among the groups gnomAD compares: African/African-American, 0.0013%; no homozygotes.

Submissions (12):

PreventionGenetics, part of Exact Sciences
Classification: Pathogenic for GRN-related condition. Last evaluated: 2026-06-28. Review status: criteria provided, single submitter. Criteria: ACMG Guidelines, 2015. Collection method: clinical testing. Allele origin: germline.
Comment: The GRN c.1252C>T variant is predicted to result in premature protein termination (p.Arg418*). This variant has been reported in multiple individuals with frontotemporal dementia (Baker et al. 2006. PubMed ID: 16862116; Van Deerlin et al. 2007. PubMed ID: 17698705; Gass et al. 2006. PubMed ID: 16950801). This variant has not been reported in a large population database (gnomAD), indicating it is rare. This variant has been consistently classified as pathogenic in ClinVar (Variation ID: 98177). Nonsense variants in GRN are expected to be pathogenic. This variant is interpreted as pathogenic.

Mayo Clinic Laboratories, Mayo Clinic
Classification: Pathogenic. Last evaluated: 2025-02-14. Review status: criteria provided, single submitter. Criteria: ACMG Guidelines, 2015. Collection method: clinical testing. Allele origin: germline. Observed: 1 variant allele.
Comment: PP4, PS3_supporting, PS4_moderate, PVS1

Labcorp Genetics (formerly Invitae), Labcorp
Classification: Pathogenic for Neuronal ceroid lipofuscinosis 11; GRN-related frontotemporal lobar degeneration with Tdp43 inclusions. Last evaluated: 2024-10-24. Review status: criteria provided, single submitter. Criteria: Invitae Variant Classification Sherloc (09022015). Collection method: clinical testing. Allele origin: germline.
Comment: This sequence change creates a premature translational stop signal (p.Arg418*) in the GRN gene. It is expected to result in an absent or disrupted protein product. Loss-of-function variants in GRN are known to be pathogenic (PMID: 16862116, 16950801, 22608501). This variant is not present in population databases (gnomAD no frequency). This premature translational stop signal has been observed in individual(s) with frontotemporal dementia (PMID: 16862116). ClinVar contains an entry for this variant (Variation ID: 98177). Algorithms developed to predict the effect of sequence changes on RNA splicing suggest that this variant may disrupt the consensus splice site. For these reasons, this variant has been classified as Pathogenic.

GeneDx
Classification: Pathogenic. Last evaluated: 2023-12-15. Review status: criteria provided, single submitter. Criteria: GeneDx Variant Classification Process June 2021. Collection method: clinical testing. Allele origin: germline. Affected: yes.
Comment: Nonsense variant predicted to result in protein truncation or nonsense mediated decay (NMD); Not observed at significant frequency in large population cohorts (gnomAD); This variant is associated with the following publications: (PMID: 34697415, 25525159, 21813674, 23475817, 24993774, 19125255, 19649643, 22608501, 16950801, 32178712, 31707213, 28473694, 28453791, 23742080, 24163244, 23117491, 21482928, 21047645, 31914217, 17698705, 16862116, 22895706, 19204154, 35790423)

Institute of Medical Genetics and Applied Genomics, University Hospital Tübingen
Classification: Pathogenic for GRN-related frontotemporal lobar degeneration with Tdp43 inclusions. Last evaluated: 2022-12-01. Review status: criteria provided, single submitter. Criteria: ACMG Guidelines, 2015. Collection method: clinical testing. Allele origin: germline. Inheritance: Autosomal dominant inheritance. Affected: yes.

Human Genetics Bochum, Ruhr University Bochum
Classification: Pathogenic for Amyotrophic lateral sclerosis type 10. Last evaluated: 2022-10-04. Review status: criteria provided, single submitter. Criteria: ACMG Guidelines, 2015. Collection method: clinical testing. Allele origin: germline. Affected: yes.
Comment: ACMG criteria used to clasify this variant: PVS1, PM2

CeGaT Center for Human Genetics Tuebingen
Classification: Pathogenic. Last evaluated: 2020-11-01. Review status: criteria provided, single submitter. Criteria: CeGaT Center For Human Genetics Tuebingen Variant Classification Criteria Version 2. Collection method: clinical testing. Allele origin: germline. Affected: yes. Observed: 2 variant alleles.

Institute of Human Genetics Munich, TUM University Hospital
Classification: Pathogenic for GRN-related frontotemporal lobar degeneration with Tdp43 inclusions. Last evaluated: 2019-06-07. Review status: criteria provided, single submitter. Criteria: Classification criteria August 2017. Collection method: clinical testing. Allele origin: germline. Inheritance: Autosomal dominant inheritance. Affected: yes. Observed: 1 heterozygote.

Athena Diagnostics
Classification: Pathogenic. Last evaluated: 2015-08-07. Review status: criteria provided, single submitter. Criteria: Athena Diagnostics Criteria. Collection method: clinical testing. Allele origin: germline.

Genome Diagnostics Laboratory, Amsterdam University Medical Center
Classification: Pathogenic. Review status: no assertion criteria provided. Collection method: clinical testing. Allele origin: germline. Affected: yes. Study: VKGL Data-share Consensus. Not counted in ClinVar's aggregate classification.

Joint Genome Diagnostic Labs from Nijmegen and Maastricht, Radboudumc and MUMC+
Classification: Likely pathogenic. Review status: no assertion criteria provided. Collection method: clinical testing. Allele origin: germline. Affected: yes. Study: VKGL Data-share Consensus. Not counted in ClinVar's aggregate classification.

VIB  Department of Molecular Genetics, University of Antwerp
No classification provided. Review status: no classification provided. Collection method: not provided. Allele origin: unknown. Not counted in ClinVar's aggregate classification.

Literature cited by the submitters: PubMed 16862116 (cited by 3 submitters); PubMed 21813674 (cited by Mayo Clinic Laboratories, Mayo Clinic); PubMed 32961397 (cited by Mayo Clinic Laboratories, Mayo Clinic); PubMed 34697415 (cited by Mayo Clinic Laboratories, Mayo Clinic); PubMed 35790423 (cited by Mayo Clinic Laboratories, Mayo Clinic); PubMed 16950801 (cited by Labcorp Genetics (formerly Invitae), Labcorp and Athena Diagnostics); PubMed 22608501 (cited by Labcorp Genetics (formerly Invitae), Labcorp); PubMed 17698705 (cited by Athena Diagnostics).